The following is an entry in ClinVar:

NM_000039.3(APOA1):c.355G>T (p.Ala119Ser)

Genes: APOA1 (apolipoprotein A1; minus strand), APOA1-AS (APOA1 antisense RNA; plus strand). Cytogenetic location: 11q23.3.
Variant type: single nucleotide variant.
Coding change: c.355G>T on transcript NM_000039.3 (MANE Select); coding-DNA position 355, G replaced by T.
Protein change: p.Ala119Ser; replaces alanine 119 with serine.
Molecular consequence: missense variant.
Genome position (GRCh38, 1-based): chr11:116,836,257, C>A on the plus strand (G>T on the coding strand, the complement: APOA1 is on the minus strand). VCF-style: chr11-116836257-C-A. GRCh37 (hg19) VCF-style: chr11-116706973-C-A.
Other names: c.355G>T, p.Ala119Ser (NM_001318017.2, NM_001318018.2); c.28G>T, p.Ala10Ser (NM_001318021.2); short protein forms A119S, A10S.
Identifiers: ClinVar variation 1518572 (VCV001518572.6), dbSNP rs2134231258, ClinGen allele CA382716509.
Genomic context (GRCh38, chr11:116,836,257, plus strand): 5'-AGAGCTCCATCTCCTCCTGCCACTTCTTCTGGAAGTCGTCCAGGTAGGGCTGCACCTTGG[C>A]CTTCACCTCCTCCAGATCCTTGCTCATCTCCTGCCTCAGGCCCTCTGTCTCCTTTTCCAG-3'
Protein context (NP_000030.1, residues 109-129): EMSKDLEEVK[Ala119Ser]KVQPYLDDFQ

ClinVar aggregate classification (germline): Uncertain significance (1 of 4 stars; one submission).

Submission:

Labcorp Genetics (formerly Invitae), Labcorp
Classification: Uncertain significance. Last evaluated: 2025-05-15. Review status: criteria provided, single submitter. Criteria: Invitae Variant Classification Sherloc (09022015). Collection method: clinical testing. Allele origin: germline.
Comment: This sequence change replaces alanine, which is neutral and non-polar, with serine, which is neutral and polar, at codon 119 of the APOA1 protein (p.Ala119Ser). This variant is not present in population databases (gnomAD no frequency). This variant has not been reported in the literature in individuals affected with APOA1-related conditions. ClinVar contains an entry for this variant (Variation ID: 1518572). Invitae Evidence Modeling of protein sequence and biophysical properties (such as structural, functional, and spatial information, amino acid conservation, physicochemical variation, residue mobility, and thermodynamic stability) indicates that this missense variant is not expected to disrupt APOA1 protein function with a negative predictive value of 95%. In summary, the available evidence is currently insufficient to determine the role of this variant in disease. Therefore, it has been classified as a Variant of Uncertain Significance.